The following is an entry in ClinVar:

NM_032122.5(DTNBP1):c.377AGG[1] (p.Glu127del)

Gene: DTNBP1 (dystrobrevin binding protein 1; minus strand). Cytogenetic location: 6p22.3.
Variant type: Microsatellite.
Coding change: c.377AGG[1] on transcript NM_032122.5 (MANE Select); one copy of the 3-base unit AGG starting at c.377; the reference has two copies in a row; one copy, 3 bases deleted.
Protein change: p.Glu127del; deletes glutamic acid 127.
Molecular consequence: inframe deletion. On other transcripts: inframe indel (1), non-coding transcript variant (1).
Genome position (GRCh38, 1-based): chr6:15,615,373-15,615,375, CCT deleted on the plus strand (AGG on the coding strand, the reverse complement: DTNBP1 is on the minus strand); deleting any 3 consecutive bases within chr6:15,615,373-15,615,379 gives the same sequence; the position shown is the placement nearest the transcript's 3' end. VCF-style (leftmost placement, unchanged base first): chr6-15615372-ACCT-A. GRCh37 (hg19) VCF-style: chr6-15615603-ACCT-A.
Other names: c.134AGG[1], p.Glu46del (NM_001271667.2); c.326AGG[1], p.Glu110del (NM_001271668.2); c.272AGG[1], p.Glu92del (NM_001271669.2); c.377AGG[1], p.Glu127del (NM_183040.2); c.133_135GAG[1], p.Glu46del (NM_183041.1); short protein forms E127del, E46del, E92del, E110del.
Identifiers: ClinVar variation 2110327 (VCV002110327.1), dbSNP rs2533648996, ClinGen allele CA2580614838.

ClinVar aggregate classification (germline): Uncertain significance (1 of 4 stars; one submission).

Submission:

Labcorp Genetics (formerly Invitae), Labcorp
Classification: Uncertain significance. Last evaluated: 2022-03-12. Review status: criteria provided, single submitter. Criteria: Invitae Variant Classification Sherloc (09022015). Collection method: clinical testing. Allele origin: germline.
Comment: This variant, c.380_382del, results in the deletion of 1 amino acid(s) of the DTNBP1 protein (p.Glu127del), but otherwise preserves the integrity of the reading frame. This variant is not present in population databases (gnomAD no frequency). This variant has not been reported in the literature in individuals affected with DTNBP1-related conditions. Experimental studies and prediction algorithms are not available or were not evaluated, and the functional significance of this variant is currently unknown. In summary, the available evidence is currently insufficient to determine the role of this variant in disease. Therefore, it has been classified as a Variant of Uncertain Significance.